The following is an entry in ClinVar:

ClinVar aggregate classification (germline): Uncertain significance. Review status: criteria provided, multiple submitters, no conflicts (2 of 4 stars). 4 submissions from 4 submitters: Uncertain significance (4). Last evaluated 2025-06-17.

Conditions:
Inborn genetic diseases. Identifiers: MedGen C0950123, MeSH D030342.
Epidermolysis bullosa simplex 5B, with muscular dystrophy (EBS5B). Also called: EPIDERMOLYSIS BULLOSA SIMPLEX AND LIMB-GIRDLE MUSCULAR DYSTROPHY; Epidermolysis bullosa simplex with muscular dystrophy. Identifiers: Orphanet 257, MedGen C2931072, MONDO:0009181, OMIM 226670.
Epidermolysis bullosa simplex, Ogna type (EBS5A). Also called: EPIDERMOLYSIS BULLOSA SIMPLEX 5A, OGNA TYPE; Pidermolysis bullosa simplex 5A, Ogna type. Identifiers: Orphanet 79401, MedGen C0432317, MONDO:0007555, OMIM 131950.
Epidermolysis bullosa simplex 5C, with pyloric atresia (EBS5C). Also called: PLEC1-Related Epidermolysis Bullosa with Pyloric Atresia; PLEC-Related Epidermolysis Bullosa with Pyloric Atresia; Epidermolysis bullosa simplex with pyloric atresia. Identifiers: Orphanet 158684, MedGen C2677349, MONDO:0012807, OMIM 612138.
Epidermolysis bullosa simplex with nail dystrophy (EBS5D). Identifiers: MedGen C4225309, MONDO:0014661, OMIM 616487.
Autosomal recessive limb-girdle muscular dystrophy type 2Q (LGMDR17). Also called: MUSCULAR DYSTROPHY, LIMB-GIRDLE, AUTOSOMAL RECESSIVE 17. Identifiers: Orphanet 254361, MedGen C3150989, MONDO:0013390, OMIM 613723.

Allele frequency attached by ClinVar (database versions not stated): gnomAD exomes 0.00003 and 0.00014; ExAC 0.00004; gnomAD 0.00004; TOPMed 0.00005; ESP Exome Variant Server 0.00008.
gnomAD v4.1: 203 of 1,613,914 alleles (0.013%); highest among the groups gnomAD compares: Non-Finnish European, 0.017%; no homozygotes.

Submissions (4):

Labcorp Genetics (formerly Invitae), Labcorp
Classification: Uncertain significance for Autosomal recessive limb-girdle muscular dystrophy type 2Q; Epidermolysis bullosa simplex, Ogna type; Epidermolysis bullosa simplex with nail dystrophy; Epidermolysis bullosa simplex 5C, with pyloric atresia; Epidermolysis bullosa simplex 5B, with muscular dystrophy. Last evaluated: 2025-06-17. Review status: criteria provided, single submitter. Criteria: Invitae Variant Classification Sherloc (09022015). Collection method: clinical testing. Allele origin: germline.
Comment: This sequence change replaces glycine, which is neutral and non-polar, with aspartic acid, which is acidic and polar, at codon 3538 of the PLEC protein (p.Gly3538Asp). This variant is present in population databases (rs200972761, gnomAD 0.008%). This variant has not been reported in the literature in individuals affected with PLEC-related conditions. ClinVar contains an entry for this variant (Variation ID: 451570). Invitae Evidence Modeling of protein sequence and biophysical properties (such as structural, functional, and spatial information, amino acid conservation, physicochemical variation, residue mobility, and thermodynamic stability) indicates that this missense variant is not expected to disrupt PLEC protein function with a negative predictive value of 80%. In summary, the available evidence is currently insufficient to determine the role of this variant in disease. Therefore, it has been classified as a Variant of Uncertain Significance.

Ambry Genetics
Classification: Uncertain significance for Inborn genetic diseases. Last evaluated: 2022-12-01. Review status: criteria provided, single submitter. Criteria: Ambry Variant Classification Scheme 2023. Collection method: clinical testing. Allele origin: germline.

GeneDx
Classification: Uncertain significance. Last evaluated: 2021-06-21. Review status: criteria provided, single submitter. Criteria: GeneDx Variant Classification Process June 2021. Collection method: clinical testing. Allele origin: germline. Affected: yes.
Comment: Not observed at significant frequency in large population cohorts (Lek et al., 2016); In silico analysis supports that this missense variant has a deleterious effect on protein structure/function; Missense variant in a gene in which most reported pathogenic variants are truncating/loss-of-function; Has not been previously published as pathogenic or benign to our knowledge; This variant is associated with the following publications: (PMID: 27535533)

Eurofins Ntd Llc (ga)
Classification: Uncertain significance. Last evaluated: 2017-08-01. Review status: criteria provided, single submitter. Criteria: EGL Classification Definitions 2015. Collection method: clinical testing. Allele origin: germline. Observed: 2 variant alleles, 2 heterozygotes.

NM_201384.3(PLEC):c.10532G>A (p.Gly3511Asp)

Gene: PLEC (plectin; minus strand). Cytogenetic location: 8q24.3.
Variant type: single nucleotide variant.
Coding change: c.10532G>A on transcript NM_201384.3 (MANE Select); coding-DNA position 10532, G replaced by A.
Protein change: p.Gly3511Asp; replaces glycine 3511 with aspartic acid.
Molecular consequence: missense variant.
Genome position (GRCh38, 1-based): chr8:143,919,289, C>T on the plus strand (G>A on the coding strand, the complement: PLEC is on the minus strand). VCF-style: chr8-143919289-C-T. GRCh37 (hg19) VCF-style: chr8-144993457-C-T.
Other names: c.10613G>A, p.Gly3538Asp (NM_000445.5); c.10490G>A, p.Gly3497Asp (NM_201378.4); c.10466G>A, p.Gly3489Asp (NM_201379.3); c.10943G>A, p.Gly3648Asp (NM_201380.4); c.10436G>A, p.Gly3479Asp (NM_201381.3); c.10532G>A, p.Gly3511Asp (NM_201382.4); c.10544G>A, p.Gly3515Asp (NM_201383.3); short protein forms G3479D, G3489D, G3497D, G3511D, G3515D, G3538D, G3648D.
Identifiers: ClinVar variation 451570 (VCV000451570.17), dbSNP rs200972761, ClinGen allele CA4924619.